The following is an entry in ClinVar:

NM_032228.6(FAR1):c.1127+6G>A

Gene: FAR1 (fatty acyl-CoA reductase 1; plus strand). Cytogenetic location: 11p15.3.
Variant type: single nucleotide variant.
Coding change: c.1127+6G>A on transcript NM_032228.6 (MANE Select); 6 bases into the intron after coding-DNA position 1127, G replaced by A.
Molecular consequence: intron variant.
Genome position (GRCh38, 1-based): chr11:13,714,686, G>A. VCF-style: chr11-13714686-G-A. GRCh37 (hg19) VCF-style: chr11-13736233-G-A.
Identifiers: ClinVar variation 1510896 (VCV001510896.8), dbSNP rs200215963, ClinGen allele CA5893459.
Genomic context (GRCh38, chr11:13,714,686, plus strand): 5'-AGGCCCCAGCATTCCTGTATGATATCTACCTCAGGATGACTGGAAGAAGCCCAAGGTAAT[G>A]GTGACTAGCTCTGTCTTATCTGTTCCTCTGTTAAACAACCCATGCTTACACTAAAATGCA-3'

ClinVar aggregate classification (germline): Conflicting classifications of pathogenicity. Review status: criteria provided, conflicting classifications (1 of 4 stars). 3 submissions from 3 submitters: Uncertain significance (2); Likely benign (1). Last evaluated 2025-09-16.

Allele frequency attached by ClinVar (database versions not stated): gnomAD exomes 0.00005 and 0.00011; gnomAD 0.00006; TOPMed 0.00007; ExAC 0.00008; 1000 Genomes Project 30x 0.00016; 1000 Genomes Project 0.00020.
gnomAD v4.1: 161 of 1,605,440 alleles (0.01%); highest among the groups gnomAD compares: Non-Finnish European, 0.013%; no homozygotes.

Submissions (3):

Labcorp Genetics (formerly Invitae), Labcorp
Classification: Uncertain significance. Last evaluated: 2025-09-16. Review status: criteria provided, single submitter. Criteria: Invitae Variant Classification Sherloc (09022015). Collection method: clinical testing. Allele origin: germline.
Comment: This sequence change falls in intron 9 of the FAR1 gene. It does not directly change the encoded amino acid sequence of the FAR1 protein. It affects a nucleotide within the consensus splice site. This variant is present in population databases (rs200215963, gnomAD 0.01%). This variant has not been reported in the literature in individuals affected with FAR1-related conditions. ClinVar contains an entry for this variant (Variation ID: 1510896). Variants that disrupt the consensus splice site are a relatively common cause of aberrant splicing (PMID: 17576681, 9536098). Algorithms developed to predict the effect of sequence changes on RNA splicing suggest that this variant is not likely to affect RNA splicing. In summary, the available evidence is currently insufficient to determine the role of this variant in disease. Therefore, it has been classified as a Variant of Uncertain Significance.

Blueprint Genetics
Classification: Likely benign. Last evaluated: 2024-09-23. Review status: criteria provided, single submitter. Criteria: ACMG Guidelines, 2015. Collection method: clinical testing. Allele origin: germline.

GeneDx
Classification: Uncertain significance. Last evaluated: 2022-03-14. Review status: criteria provided, single submitter. Criteria: GeneDx Variant Classification Process June 2021. Collection method: clinical testing. Allele origin: germline. Affected: yes.
Comment: In silico analysis supports that this variant does not alter splicing; Has not been previously published as pathogenic or benign to our knowledge

Literature cited by the submitters: PubMed 17576681 (cited by Labcorp Genetics (formerly Invitae), Labcorp); PubMed 9536098 (cited by Labcorp Genetics (formerly Invitae), Labcorp).